The following is an entry in ClinVar:

NM_001127178.3(PIGG):c.602A>C (p.Lys201Thr)

Gene: PIGG (phosphatidylinositol glycan anchor biosynthesis class G (EMM blood group); plus strand). Cytogenetic location: 4p16.3.
Variant type: single nucleotide variant.
Coding change: c.602A>C on transcript NM_001127178.3 (MANE Select); coding-DNA position 602, A replaced by C.
Protein change: p.Lys201Thr; replaces lysine 201 with threonine.
Molecular consequence: missense variant. On other transcripts: 5 prime UTR variant (4), non-coding transcript variant (10), intron variant (1).
Genome position (GRCh38, 1-based): chr4:507,436, A>C. VCF-style: chr4-507436-A-C. GRCh37 (hg19) VCF-style: chr4-501225-A-C.
Other names: c.335A>C, p.Lys112Thr (NM_001345987.2, NM_001289051.2, NM_001289053.2 and 2 more transcripts); c.-286A>C (NM_001345988.2); c.602A>C, p.Lys201Thr (NM_001345989.2, NM_017733.5); c.-1024A>C (NM_001345990.2); c.-886A>C (NM_001345991.2); c.-611A>C (NM_001345994.2); c.236A>C, p.Lys79Thr (NM_001289055.2); c.361-1393A>C (NM_001289052.2); and 1 more; short protein forms K112T, K79T, K201T.
Identifiers: ClinVar variation 1409047 (VCV001409047.7), dbSNP rs782326684, ClinGen allele CA2793047.
Genomic context (GRCh38, chr4:507,436, plus strand): 5'-TTGTTTATACGTGTGTTTCCCCTTCAAAGGTGGATAATAATGTCACGAGGCATTTGGATA[A>C]AGTATTAAAAAGAGGAGATTGGGACATATTAATCCTCCACTACCTGGGGCTGGACCACAT-3'
Protein context (NP_001120650.1, residues 191-211): VDNNVTRHLD[Lys201Thr]VLKRGDWDIL

ClinVar aggregate classification (germline): Uncertain significance. Review status: criteria provided, multiple submitters, no conflicts (2 of 4 stars). 2 submissions from 2 submitters: Uncertain significance (2). Last evaluated 2025-08-08.

Conditions:
Intellectual disability, autosomal recessive 53 (NEDHSCA). Also called: NEURODEVELOPMENTAL DISORDER WITH OR WITHOUT HYPOTONIA, SEIZURES, AND CEREBELLAR ATROPHY; GLYCOSYLPHOSPHATIDYLINOSITOL BIOSYNTHESIS DEFECT 13; Mental retardation, autosomal recessive 53. Identifiers: Orphanet 488635, MedGen C4310794, MONDO:0014832, OMIM 616917.
Inborn genetic diseases. Identifiers: MedGen C0950123, MeSH D030342.

Allele frequency attached by ClinVar (database versions not stated): gnomAD 0.00004; TOPMed 0.00004; gnomAD exomes 0.00005; ExAC 0.00009.
gnomAD v4.1: 134 of 1,613,248 alleles (0.0083%); highest among the groups gnomAD compares: Non-Finnish European, 0.011%; no homozygotes.

Submissions (2):

Ambry Genetics
Classification: Uncertain significance for Inborn genetic diseases. Last evaluated: 2025-08-08. Review status: criteria provided, single submitter. Criteria: Ambry Variant Classification Scheme 2023. Collection method: clinical testing. Allele origin: germline.

Labcorp Genetics (formerly Invitae), Labcorp
Classification: Uncertain significance for Intellectual disability, autosomal recessive 53. Last evaluated: 2022-06-29. Review status: criteria provided, single submitter. Criteria: Invitae Variant Classification Sherloc (09022015). Collection method: clinical testing. Allele origin: germline.
Comment: This sequence change replaces lysine, which is basic and polar, with threonine, which is neutral and polar, at codon 201 of the PIGG protein (p.Lys201Thr). This variant is present in population databases (rs782326684, gnomAD 0.01%). This variant has not been reported in the literature in individuals affected with PIGG-related conditions. Algorithms developed to predict the effect of missense changes on protein structure and function output the following: SIFT: "Tolerated"; PolyPhen-2: "Benign"; Align-GVGD: "Class C0". The threonine amino acid residue is found in multiple mammalian species, which suggests that this missense change does not adversely affect protein function. In summary, the available evidence is currently insufficient to determine the role of this variant in disease. Therefore, it has been classified as a Variant of Uncertain Significance.